The following is an entry in ClinVar:

ClinVar aggregate classification (germline): Uncertain significance. Review status: criteria provided, multiple submitters, no conflicts (2 of 4 stars). 4 submissions from 4 submitters: Uncertain significance (4). Last evaluated 2024-11-08.

Conditions:
Hereditary nonpolyposis colorectal neoplasms. Identifiers: MedGen C0009405, MeSH D003123.
Hereditary cancer-predisposing syndrome. Also called: Tumor predisposition; Hereditary neoplastic syndrome; Hereditary Cancer Syndrome; Neoplastic Syndromes, Hereditary. Identifiers: Orphanet 140162, MedGen C0027672, MeSH D009386, MONDO:0015356.

Allele frequency attached by ClinVar (database versions not stated): gnomAD exomes below 0.00001.
gnomAD v4.1: 2 of 1,614,160 alleles (0.00012%); highest among the groups gnomAD compares: Non-Finnish European, 0.000085%; no homozygotes.

Submissions (4):

Ambry Genetics
Classification: Uncertain significance for Hereditary cancer-predisposing syndrome. Last evaluated: 2024-11-08. Review status: criteria provided, single submitter. Criteria: Ambry Variant Classification Scheme 2023. Collection method: clinical testing. Allele origin: germline.
Comment: The p.T407I variant (also known as c.1220C>T), located in coding exon 4 of the MSH6 gene, results from a C to T substitution at nucleotide position 1220. The threonine at codon 407 is replaced by isoleucine, an amino acid with similar properties. This amino acid position is highly conserved in available vertebrate species. In addition, this alteration is predicted to be deleterious by in silico analysis. Based on the available evidence, the clinical significance of this variant remains unclear.

Labcorp Genetics (formerly Invitae), Labcorp
Classification: Uncertain significance for Hereditary nonpolyposis colorectal neoplasms. Last evaluated: 2022-07-14. Review status: criteria provided, single submitter. Criteria: Invitae Variant Classification Sherloc (09022015). Collection method: clinical testing. Allele origin: germline.
Comment: ClinVar contains an entry for this variant (Variation ID: 917718). In summary, the available evidence is currently insufficient to determine the role of this variant in disease. Therefore, it has been classified as a Variant of Uncertain Significance. Advanced modeling of protein sequence and biophysical properties (such as structural, functional, and spatial information, amino acid conservation, physicochemical variation, residue mobility, and thermodynamic stability) performed at Invitae indicates that this missense variant is expected to disrupt MSH6 protein function. This variant has not been reported in the literature in individuals affected with MSH6-related conditions. This variant is not present in population databases (gnomAD no frequency). This sequence change replaces threonine, which is neutral and polar, with isoleucine, which is neutral and non-polar, at codon 407 of the MSH6 protein (p.Thr407Ile).

Women's Health and Genetics/Laboratory Corporation of America, LabCorp
Classification: Uncertain significance. Last evaluated: 2020-02-10. Review status: criteria provided, single submitter. Criteria: LabCorp Variant Classification Summary - May 2015. Collection method: clinical testing. Allele origin: germline.
Comment: Variant summary: MSH6 c.1220C>T (p.Thr407Ile) results in a non-conservative amino acid change located in the DNA mismatch repair protein MutS-like, N-terminal (IPR007695) of the encoded protein sequence. Five of five in-silico tools predict a damaging effect of the variant on protein function. The variant was absent in 251304 control chromosomes (gnomAD). The available data on variant occurrences in the general population are insufficient to allow any conclusion about variant significance. To our knowledge, no occurrence of c.1220C>T in individuals affected with Lynch Syndrome and no experimental evidence demonstrating its impact on protein function have been reported. No clinical diagnostic laboratories have submitted clinical-significance assessments for this variant to ClinVar after 2014. Based on the evidence outlined above, the variant was classified as uncertain significance.

GeneDx
Classification: Uncertain significance. Last evaluated: 2019-12-09. Review status: criteria provided, single submitter. Criteria: GeneDx Variant Classification Process June 2021. Collection method: clinical testing. Allele origin: germline. Affected: yes.
Comment: Not observed in large population cohorts (Lek 2016); In silico analysis, which includes protein predictors and evolutionary conservation, supports a deleterious effect; Has not been previously published as pathogenic or benign to our knowledge

NM_000179.3(MSH6):c.1220C>T (p.Thr407Ile)

Gene: MSH6 (mutS homolog 6; plus strand). Cytogenetic location: 2p16.3.
Variant type: single nucleotide variant.
Coding change: c.1220C>T on transcript NM_000179.3 (MANE Select); coding-DNA position 1220, C replaced by T.
Protein change: p.Thr407Ile; replaces threonine 407 with isoleucine.
Molecular consequence: missense variant.
Genome position (GRCh38, 1-based): chr2:47,799,203, C>T. VCF-style: chr2-47799203-C-T. GRCh37 (hg19) VCF-style: chr2-48026342-C-T.
Other names: c.830C>T, p.Thr277Ile (NM_001281492.2); c.314C>T, p.Thr105Ile (NM_001281493.2, NM_001281494.2); short protein forms T105I, T277I, T407I.
Identifiers: ClinVar variation 917718 (VCV000917718.10), dbSNP rs1114167754, ClinGen allele CA346743569.